The following is an entry in ClinVar:

ClinVar aggregate classification (germline): Likely pathogenic (1 of 4 stars; one submission).

Submission:

Labcorp Genetics (formerly Invitae), Labcorp
Classification: Likely pathogenic. Last evaluated: 2025-02-05. Review status: criteria provided, single submitter. Criteria: Invitae Variant Classification Sherloc (09022015). Collection method: clinical testing. Allele origin: germline.
Comment: This sequence change replaces leucine, which is neutral and non-polar, with valine, which is neutral and non-polar, at codon 157 of the KRT10 protein (p.Leu157Val). This variant is not present in population databases (gnomAD no frequency). This missense change has been observed in individual(s) with epidermolytic ichthyosis (internal data). In at least one individual the variant was observed to be de novo. Invitae Evidence Modeling of protein sequence and biophysical properties (such as structural, functional, and spatial information, amino acid conservation, physicochemical variation, residue mobility, and thermodynamic stability) has been performed for this missense variant. However, the output from this modeling did not meet the statistical confidence thresholds required to predict the impact of this variant on KRT10 protein function. This variant disrupts the p.Leu157 amino acid residue in KRT10. Other variant(s) that disrupt this residue have been observed in individuals with KRT10-related conditions (PMID: 22035476), which suggests that this may be a clinically significant amino acid residue. In summary, the currently available evidence indicates that the variant is pathogenic, but additional data are needed to prove that conclusively. Therefore, this variant has been classified as Likely Pathogenic.

Literature cited by the submitters: PubMed 22035476.

NM_000421.5(KRT10):c.469C>G (p.Leu157Val)

Genes: KRT10 (keratin 10; minus strand), KRT10-AS1 (KRT10 antisense RNA 1; plus strand). Cytogenetic location: 17q21.2.
Variant type: single nucleotide variant.
Coding change: c.469C>G on transcript NM_000421.5 (MANE Select); coding-DNA position 469, C replaced by G.
Protein change: p.Leu157Val; replaces leucine 157 with valine.
Molecular consequence: missense variant.
Genome position (GRCh38, 1-based): chr17:40,822,117, G>C on the plus strand (C>G on the coding strand, the complement: KRT10 is on the minus strand). VCF-style: chr17-40822117-G-C. GRCh37 (hg19) VCF-style: chr17-38978369-G-C.
Other names: c.469C>G, p.Leu157Val (NM_001379366.1); short protein forms L157V.
Identifiers: ClinVar variation 3664715 (VCV003664715.2).